The following is an entry in ClinVar:

NM_000038.6(APC):c.6341G>A (p.Ser2114Asn)

Gene: APC (APC regulator of Wnt signaling pathway; plus strand). Cytogenetic location: 5q22.2.
Variant type: single nucleotide variant.
Coding change: c.6341G>A on transcript NM_000038.6 (MANE Select); coding-DNA position 6341, G replaced by A.
Protein change: p.Ser2114Asn; replaces serine 2114 with asparagine.
Molecular consequence: missense variant. On other transcripts: non-coding transcript variant (2).
Genome position (GRCh38, 1-based): chr5:112,841,935, G>A. VCF-style: chr5-112841935-G-A. GRCh37 (hg19) VCF-style: chr5-112177632-G-A.
Other names: c.6341G>A, p.Ser2114Asn (NM_001127510.3, NM_001354895.2, NM_001407450.1); c.6287G>A, p.Ser2096Asn (NM_001127511.3); c.6395G>A, p.Ser2132Asn (NM_001354896.2, NM_001407447.1, NM_001407448.1 and 1 more transcripts); c.6371G>A, p.Ser2124Asn (NM_001354897.2); c.6266G>A, p.Ser2089Asn (NM_001354898.2); c.6257G>A, p.Ser2086Asn (NM_001354899.2); c.6218G>A, p.Ser2073Asn (NM_001354900.2); c.6164G>A, p.Ser2055Asn (NM_001354901.2, NM_001407453.1); and 11 more; short protein forms S1730N, S2023N, S2031N, S2073N, S2086N, S2114N, S2132N, S2142N.
Identifiers: ClinVar variation 3635500 (VCV003635500.2).
Genomic context (GRCh38, chr5:112,841,935, plus strand): 5'-CTGATTCAGAAAATTTTGATTGGAAAGCTATTCAGGAAGGTGCAAATTCCATAGTAAGTA[G>A]TTTACATCAAGCTGCTGCTGCTGCATGTTTATCTAGACAAGCTTCGTCTGATTCAGATTC-3'
Protein context (NP_000029.2, residues 2104-2124): IQEGANSIVS[Ser2114Asn]LHQAAAAACL

ClinVar aggregate classification (germline): Uncertain significance (1 of 4 stars; one submission).

Conditions:
Familial adenomatous polyposis 1 (FAP1). Also called: FAMILIAL ADENOMATOUS POLYPOSIS 1, ATTENUATED; POLYPOSIS, ADENOMATOUS INTESTINAL. Identifiers: MedGen C2713442, MONDO:0021056, OMIM 175100. Disease mechanism: loss of function.

Submission:

Labcorp Genetics (formerly Invitae), Labcorp
Classification: Uncertain significance for Familial adenomatous polyposis 1. Last evaluated: 2024-07-16. Review status: criteria provided, single submitter. Criteria: Invitae Variant Classification Sherloc (09022015). Collection method: clinical testing. Allele origin: germline.
Comment: This sequence change replaces serine, which is neutral and polar, with asparagine, which is neutral and polar, at codon 2114 of the APC protein (p.Ser2114Asn). This variant is not present in population databases (gnomAD no frequency). This variant has not been reported in the literature in individuals affected with APC-related conditions. Advanced modeling of protein sequence and biophysical properties (such as structural, functional, and spatial information, amino acid conservation, physicochemical variation, residue mobility, and thermodynamic stability) performed at Invitae indicates that this missense variant is not expected to disrupt APC protein function with a negative predictive value of 95%. In summary, the available evidence is currently insufficient to determine the role of this variant in disease. Therefore, it has been classified as a Variant of Uncertain Significance.